The following is an entry in ClinVar:

NM_032634.4(PIGO):c.2189C>A (p.Pro730His)

Gene: PIGO (phosphatidylinositol glycan anchor biosynthesis class O; minus strand). Cytogenetic location: 9p13.3.
Variant type: single nucleotide variant.
Coding change: c.2189C>A on transcript NM_032634.4 (MANE Select); coding-DNA position 2189, C replaced by A.
Protein change: p.Pro730His; replaces proline 730 with histidine.
Molecular consequence: missense variant. On other transcripts: intron variant (2).
Genome position (GRCh38, 1-based): chr9:35,091,698, G>T on the plus strand (C>A on the coding strand, the complement: PIGO is on the minus strand). VCF-style: chr9-35091698-G-T. GRCh37 (hg19) VCF-style: chr9-35091695-G-T.
Other names: c.1345-407C>A (NM_001201484.2, NM_152850.4); short protein forms P730H.
Identifiers: ClinVar variation 1026129 (VCV001026129.10), dbSNP rs561174794, ClinGen allele CA5040482.

ClinVar aggregate classification (germline): Uncertain significance. Review status: criteria provided, multiple submitters, no conflicts (2 of 4 stars). 2 submissions from 2 submitters: Uncertain significance (2). Last evaluated 2023-08-15.

Conditions:
Hyperphosphatasia with impaired intellectual development syndrome 2. Also called: Hyperphosphatasia with intellectual disability syndrome 2; GLYCOSYLPHOSPHATIDYLINOSITOL BIOSYNTHESIS DEFECT 6. Identifiers: Orphanet 247262, MedGen C3553637, MONDO:0013882, OMIM 614749.

Allele frequency attached by ClinVar (database versions not stated): TOPMed 0.00001; gnomAD below 0.00001; ExAC 0.00005; 1000 Genomes Project 30x 0.00016; 1000 Genomes Project 0.00020.
gnomAD v4.1: 34 of 1,612,510 alleles (0.0021%); highest among the groups gnomAD compares: South Asian, 0.022%; no homozygotes.

Submissions (2):

Blueprint Genetics
Classification: Uncertain significance. Last evaluated: 2023-08-15. Review status: criteria provided, single submitter. Criteria: ACMG Guidelines, 2015. Collection method: clinical testing. Allele origin: germline.

Labcorp Genetics (formerly Invitae), Labcorp
Classification: Uncertain significance for Hyperphosphatasia with impaired intellectual development syndrome 2. Last evaluated: 2022-07-05. Review status: criteria provided, single submitter. Criteria: Invitae Variant Classification Sherloc (09022015). Collection method: clinical testing. Allele origin: germline.
Comment: In summary, the available evidence is currently insufficient to determine the role of this variant in disease. Therefore, it has been classified as a Variant of Uncertain Significance. Algorithms developed to predict the effect of missense changes on protein structure and function are either unavailable or do not agree on the potential impact of this missense change (SIFT: "Tolerated"; PolyPhen-2: "Probably Damaging"; Align-GVGD: "Class C0"). ClinVar contains an entry for this variant (Variation ID: 1026129). This variant has not been reported in the literature in individuals affected with PIGO-related conditions. This variant is present in population databases (rs561174794, gnomAD 0.03%). This sequence change replaces proline, which is neutral and non-polar, with histidine, which is basic and polar, at codon 730 of the PIGO protein (p.Pro730His).